The following is an entry in ClinVar:

ClinVar aggregate classification (germline): Pathogenic. Review status: reviewed by expert panel (3 of 4 stars). 4 submissions from 4 submitters: Pathogenic (1). 3 of the submissions do not count toward it. Last evaluated 2024-01-22.

Conditions:
Maturity-onset diabetes of the young (MODY). Also called: Maturity onset diabetes mellitus in young. Identifiers: Orphanet 552, MedGen C0342276, MONDO:0018911, HP:0004904.
Monogenic diabetes. Identifiers: Orphanet 183625, MedGen C3888631, MONDO:0015967.
Maturity-onset diabetes of the young type 1. Also called: MODY type 1; Diabetes mellitus MODY type 1; MODY HNF4A related; HNF4A-Related Maturity-Onset Diabetes of the Young Type 1; MILD JUVENILE DIABETES MELLITUS; MODY, type I. Identifiers: Orphanet 552, MedGen C1852093, MONDO:0007452, OMIM 125850. Disease mechanism: loss of function.

Submissions (4):

ClinGen Monogenic Diabetes Variant Curation Expert Panel
Classification: Pathogenic for Monogenic diabetes. Last evaluated: 2024-01-22. Review status: reviewed by expert panel. Criteria: ClinGen Diabetes ACMG Specifications HNF4A V2.0.0. Collection method: curation. Allele origin: germline. Inheritance: Autosomal dominant inheritance.
Comment: The c.724del variant in the hepatic nuclear factor 4-alpha gene, HNF4A, causes a frameshift in the protein at codon 242 in NM_175914.5, adding 39 novel amino acids before encountering a stop codon (p.(Val242Cysfs*39)). This variant, located in biologically-relevant exon 7 of 10, is predicted to lead to nonsense mediated decay in a gene in which loss-of-function is an established disease mechanism (PVS1; PMID: 23348805). This variant is absent from gnomAD v2.1.1 (PM2_Supporting). This variant was identified in an individual with a clinical history highly specific for HNF4A-monogenic diabetes (MODY probability calculator result >50%, negative genetic testing for HNF1A) (PP4; internal lab contributors). In summary, c.724del meets the criteria to be classified as pathogenic for monogenic diabetes. ACMG/AMP criteria applied, as specified by the ClinGen MDEP (specification version 2.0.0, approved 10/11/2023): PVS1, PP4, PM2_Supporting.

MVZ Medizinische Genetik Mainz
Classification: Likely pathogenic for Maturity-onset diabetes of the young type 1. Last evaluated: 2025-09-29. Review status: criteria provided, single submitter. Criteria: UK Practice Guidelines For Variant Classification V4 01 2020. Collection method: clinical testing. Allele origin: germline. Inheritance: Autosomal dominant inheritance. Observed: 1 variant allele. Not counted in ClinVar's aggregate classification.
Comment: ACMG Criteria: PVS1,PM2_SUP

Ambry Genetics
Classification: Pathogenic for Maturity-onset diabetes of the young. Last evaluated: 2018-10-20. Review status: criteria provided, single submitter. Criteria: Ambry Variant Classification Scheme 2023. Collection method: clinical testing. Allele origin: germline. Not counted in ClinVar's aggregate classification.
Comment: The c.724delG pathogenic mutation, located in coding exon 7 of the HNF4A gene, results from a deletion of one nucleotide at nucleotide position 724, causing a translational frameshift with a predicted alternate stop codon (p.V242Cfs*39). This mutation was reported in a maturity-onset diabetes of the young family (Colclough K et al. Hum. Mutat., 2013 May;34:669-85). In addition to the clinical data presented in the literature, this alteration is expected to result in loss of function by premature protein truncation or nonsense-mediated mRNA decay. As such, this alteration is interpreted as a disease-causing mutation.

Athena Diagnostics
Classification: Pathogenic. Last evaluated: 2016-09-30. Review status: criteria provided, single submitter. Criteria: Athena Diagnostics Criteria. Collection method: clinical testing. Allele origin: germline. Not counted in ClinVar's aggregate classification.

Literature cited by the submitters: PubMed 23348805 (cited by Ambry Genetics and Athena Diagnostics).

NM_175914.5(HNF4A):c.724del (p.Val242fs)

Gene: HNF4A (hepatocyte nuclear factor 4 alpha; plus strand). Cytogenetic location: 20q13.12.
Variant type: Deletion.
Coding change: c.724del on transcript NM_175914.5 (MANE Select); coding-DNA position 724, one base deleted (G; older notation c.724delG).
Protein change: p.Val242fs; shifts the reading frame from valine 242.
Molecular consequence: frameshift variant.
Genome position (GRCh38, 1-based): chr20:44,419,774, G deleted; the last of 3 consecutive G bases (chr20:44,419,772-44,419,774); deleting any one gives the same sequence. VCF-style (leftmost placement, unchanged base first): chr20-44419771-CG-C. GRCh37 (hg19) VCF-style: chr20-43048411-CG-C.
Other names: NM_175914.5(HNF4A):c.724del; p.Val242fs; c.790del, p.Val264fs (NM_000457.6, NM_178849.3, NM_178850.3); c.724del, p.Val242fs (NM_001030003.3, NM_001030004.3); c.769del, p.Val257fs (NM_001258355.2); c.715del, p.Val239fs (NM_001287182.2, NM_001287183.2, NM_001287184.2); short protein forms V239fs, V264fs, V257fs, V242fs.
Identifiers: ClinVar variation 447521 (VCV000447521.4), dbSNP rs1555816642, ClinGen allele CA658658870.